The following is an entry in ClinVar:

NM_004336.5(BUB1):c.3035A>G (p.Glu1012Gly)

Gene: BUB1 (BUB1 mitotic checkpoint serine/threonine kinase; minus strand). Cytogenetic location: 2q13.
Variant type: single nucleotide variant.
Coding change: c.3035A>G on transcript NM_004336.5 (MANE Select); coding-DNA position 3035, A replaced by G.
Protein change: p.Glu1012Gly; replaces glutamic acid 1012 with glycine.
Molecular consequence: missense variant.
Genome position (GRCh38, 1-based): chr2:110,639,769, T>C on the plus strand (A>G on the coding strand, the complement: BUB1 is on the minus strand). VCF-style: chr2-110639769-T-C. GRCh37 (hg19) VCF-style: chr2-111397346-T-C.
Other names: c.2975A>G, p.Glu992Gly (NM_001278616.2); c.2864A>G, p.Glu955Gly (NM_001278617.2); short protein forms E1012G, E955G, E992G.
Identifiers: ClinVar variation 3224079 (VCV003224079.1), dbSNP rs369159867, ClinGen allele CA348088722.
Genomic context (GRCh38, chr2:110,639,769, plus strand): 5'-TCTTTTCACTACAGCACCAATGCTAATACTCACCTTCTAAAAAGACCTTCAGGCTTACAC[T>C]CTCCTCCTTCATTTTTCACTTTCATGTAAGTGCCAAAGAGCATGCAATATACTGTTGCAG-3'
Protein context (NP_004327.1, residues 1002-1022): TYMKVKNEGG[Glu1012Gly]CKPEGLFRRL

ClinVar aggregate classification (germline): Uncertain significance (1 of 4 stars; one submission).

Submission:

Ambry Genetics
Classification: Uncertain significance. Last evaluated: 2023-12-04. Review status: criteria provided, single submitter. Criteria: Ambry Variant Classification Scheme 2023. Collection method: clinical testing. Allele origin: germline.
Comment: The p.E1012G variant (also known as c.3035A>G), located in coding exon 24 of the BUB1 gene, results from an A to G substitution at nucleotide position 3035. The glutamic acid at codon 1012 is replaced by glycine, an amino acid with similar properties. This amino acid position is conserved. In addition, this alteration is predicted to be tolerated by in silico analysis. Since supporting evidence is limited at this time, the clinical significance of this alteration remains unclear.